The following is an entry in ClinVar:

NM_001572.5(IRF7):c.1259G>A (p.Arg420Gln)

Gene: IRF7 (interferon regulatory factor 7; minus strand). Cytogenetic location: 11p15.5.
Variant type: single nucleotide variant.
Coding change: c.1259G>A on transcript NM_001572.5 (MANE Select); coding-DNA position 1259, G replaced by A.
Protein change: p.Arg420Gln; replaces arginine 420 with glutamine.
Molecular consequence: missense variant.
Genome position (GRCh38, 1-based): chr11:613,096, C>T on the plus strand (G>A on the coding strand, the complement: IRF7 is on the minus strand). VCF-style: chr11-613096-C-T. GRCh37 (hg19) VCF-style: chr11-613096-C-T.
Other names: c.1172G>A, p.Arg391Gln (NM_004029.4); c.1298G>A, p.Arg433Gln (NM_004031.4); short protein forms R391Q, R420Q, R433Q.
Identifiers: ClinVar variation 971427 (VCV000971427.10), dbSNP rs377416331, ClinGen allele CA5783517.

ClinVar aggregate classification (germline): Uncertain significance. Review status: criteria provided, multiple submitters, no conflicts (2 of 4 stars). 3 submissions from 3 submitters: Uncertain significance (3). Last evaluated 2025-11-23.

Conditions:
Immunodeficiency 39 (IMD39). Identifiers: Orphanet 574918, MedGen C4225358, MONDO:0014597, OMIM 616345.

Allele frequency attached by ClinVar (database versions not stated): ExAC 0.00004; gnomAD exomes 0.00006 and 0.00010; TOPMed 0.00006; gnomAD 0.00007; ESP Exome Variant Server 0.00008.
gnomAD v4.1: 159 of 1,612,950 alleles (0.0099%); highest among the groups gnomAD compares: Middle Eastern, 0.033%; 1 homozygote.

Submissions (3):

Labcorp Genetics (formerly Invitae), Labcorp
Classification: Uncertain significance for Immunodeficiency 39. Last evaluated: 2025-11-23. Review status: criteria provided, single submitter. Criteria: Invitae Variant Classification Sherloc (09022015). Collection method: clinical testing. Allele origin: germline.
Comment: This sequence change replaces arginine, which is basic and polar, with glutamine, which is neutral and polar, at codon 433 of the IRF7 protein (p.Arg433Gln). This variant is present in population databases (rs377416331, gnomAD 0.08%), and has an allele count higher than expected for a pathogenic variant. This variant has not been reported in the literature in individuals affected with IRF7-related conditions. ClinVar contains an entry for this variant (Variation ID: 971427). Invitae Evidence Modeling of protein sequence and biophysical properties (such as structural, functional, and spatial information, amino acid conservation, physicochemical variation, residue mobility, and thermodynamic stability) indicates that this missense variant is not expected to disrupt IRF7 protein function with a negative predictive value of 80%. In summary, the available evidence is currently insufficient to determine the role of this variant in disease. Therefore, it has been classified as a Variant of Uncertain Significance.

Ambry Genetics
Classification: Uncertain significance. Last evaluated: 2021-10-20. Review status: criteria provided, single submitter. Criteria: Ambry Variant Classification Scheme 2023. Collection method: clinical testing. Allele origin: germline.

Breakthrough Genomics
Classification: Uncertain significance. Review status: criteria provided, single submitter. Criteria: ACMG Guidelines, 2015. Collection method: not provided. Allele origin: germline. Inheritance: Autosomal recessive inheritance. Affected: yes.